The following is an entry in ClinVar:

ClinVar aggregate classification (germline): Uncertain significance (1 of 4 stars; one submission).

Submission:

Mayo Clinic Laboratories, Mayo Clinic
Classification: Uncertain significance. Last evaluated: 2022-03-09. Review status: criteria provided, single submitter. Criteria: ACMG Guidelines, 2015. Collection method: clinical testing. Allele origin: germline. Observed: 1 variant allele.
Comment: PP3, PM2, PM5

NM_000288.4(PEX7):c.650G>A (p.Gly217Glu)

Gene: PEX7 (peroxisomal biogenesis factor 7; plus strand). Cytogenetic location: 6q23.3.
Variant type: single nucleotide variant.
Coding change: c.650G>A on transcript NM_000288.4 (MANE Select); coding-DNA position 650, G replaced by A.
Protein change: p.Gly217Glu; replaces glycine 217 with glutamic acid.
Molecular consequence: missense variant.
Genome position (GRCh38, 1-based): chr6:136,869,906, G>A. VCF-style: chr6-136869906-G-A. GRCh37 (hg19) VCF-style: chr6-137191044-G-A.
Other names: p.Gly217Glu; c.536G>A, p.Gly179Glu (NM_001410945.1); short protein forms G179E, G217E.
Identifiers: ClinVar variation 2682955 (VCV002682955.1), dbSNP rs2548095326, ClinGen allele CA365763959.
Genomic context (GRCh38, chr6:136,869,906, plus strand): 5'-ATTGCAAAGATGTCACAGTTTATGTTTCTCTGAATTGTTTTTAGAATTTGCTGGTGACCG[G>A]GGCGGTTGACTGTAGTTTGAGAGGCTGGGACTTAAGGAATGTACGACAACCAGTGTTTGA-3'
Protein context (NP_000279.1, residues 207-227): CKYNENLLVT[Gly217Glu]AVDCSLRGWD